The following is an entry in ClinVar:

ClinVar aggregate classification (germline): Benign/Likely benign. Review status: criteria provided, multiple submitters, no conflicts (2 of 4 stars). 2 submissions from 2 submitters: Benign (1); Likely benign (1). Last evaluated 2025-02-19.

Conditions:
Breast-ovarian cancer, familial, susceptibility to, 3. Also called: RAD51C-Related Breast/Ovarian Cancer. Identifiers: Orphanet 145, MedGen C3150659, MONDO:0013253, OMIM 613399.

Submissions (2):

Myriad Genetics, Inc.
Classification: Benign for Breast-ovarian cancer, familial, susceptibility to, 3. Last evaluated: 2025-02-19. Review status: criteria provided, single submitter. Criteria: Myriad Autosomal Dominant, Autosomal Recessive and X-Linked Classification Criteria (2023). Collection method: clinical testing. Allele origin: unknown.
Comment: This variant is considered benign. This variant is intronic and is not expected to impact mRNA splicing.

GeneDx
Classification: Likely benign. Last evaluated: 2016-12-19. Review status: criteria provided, single submitter. Criteria: GeneDx Variant Classification (06012015). Collection method: clinical testing. Allele origin: germline. Affected: yes.
Comment: This variant is considered likely benign or benign based on one or more of the following criteria: it is a conservative change, it occurs at a poorly conserved position in the protein, it is predicted to be benign by multiple in silico algorithms, and/or has population frequency not consistent with disease.

NM_058216.3(RAD51C):c.1027-23TA[5]

Gene: RAD51C (RAD51 paralog C; plus strand). Cytogenetic location: 17q22.
Variant type: Microsatellite.
Coding change: c.1027-23TA[5] on transcript NM_058216.3 (MANE Select); five copies in a row of the 2-base unit TA starting at c.1027-23.
Molecular consequence: intron variant.
Genome position: GRCh38 VCF-style: chr17-58734094-G-GTA. GRCh37 (hg19) VCF-style: chr17-56811455-G-GTA.
Other names: c.1027-16_1027-15dupAT (NM_058216.1).
Identifiers: ClinVar variation 422918 (VCV000422918.2), dbSNP rs1555605509, ClinGen allele CA16620504.